The following is an entry in ClinVar:

NM_002439.5(MSH3):c.1708T>C (p.Ser570Pro)

Gene: MSH3 (mutS homolog 3; plus strand). Cytogenetic location: 5q14.1.
Variant type: single nucleotide variant.
Coding change: c.1708T>C on transcript NM_002439.5 (MANE Select); coding-DNA position 1708, T replaced by C.
Protein change: p.Ser570Pro; replaces serine 570 with proline.
Molecular consequence: missense variant.
Genome position (GRCh38, 1-based): chr5:80,744,560, T>C. VCF-style: chr5-80744560-T-C. GRCh37 (hg19) VCF-style: chr5-80040379-T-C.
Other names: short protein forms S570P.
Identifiers: ClinVar variation 1778499 (VCV001778499.2), dbSNP rs2546762060, ClinGen allele CA360274737.

ClinVar aggregate classification (germline): Uncertain significance (1 of 4 stars; one submission).

Conditions:
Hereditary cancer-predisposing syndrome. Also called: Neoplastic Syndromes, Hereditary; Tumor predisposition; Hereditary Cancer Syndrome; Hereditary neoplastic syndrome. Identifiers: Orphanet 140162, MedGen C0027672, MeSH D009386, MONDO:0015356.

Submission:

Ambry Genetics
Classification: Uncertain significance for Hereditary cancer-predisposing syndrome. Last evaluated: 2021-12-25. Review status: criteria provided, single submitter. Criteria: Ambry Variant Classification Scheme 2023. Collection method: clinical testing. Allele origin: germline.
Comment: The p.S570P variant (also known as c.1708T>C), located in coding exon 12 of the MSH3 gene, results from a T to C substitution at nucleotide position 1708. The serine at codon 570 is replaced by proline, an amino acid with similar properties. This amino acid position is conserved. In addition, this alteration is predicted to be tolerated by in silico analysis. Since supporting evidence is limited at this time, the clinical significance of this alteration remains unclear.